The following is an entry in ClinVar:

ClinVar aggregate classification (germline): Uncertain significance (1 of 4 stars; one submission).

Submission:

GeneDx
Classification: Uncertain significance. Last evaluated: 2024-09-17. Review status: criteria provided, single submitter. Criteria: GeneDx Variant Classification Process June 2021. Collection method: clinical testing. Allele origin: germline. Affected: yes.
Comment: Not observed at significant frequency in large population cohorts (gnomAD); In silico analysis indicates that this missense variant does not alter protein structure/function; Has not been previously published as pathogenic or benign to our knowledge

NM_024665.7(TBL1XR1):c.428A>G (p.Asn143Ser)

Gene: TBL1XR1 (TBL1X/Y related 1; minus strand). Cytogenetic location: 3q26.32.
Variant type: single nucleotide variant.
Coding change: c.428A>G on transcript NM_024665.7 (MANE Select); coding-DNA position 428, A replaced by G.
Protein change: p.Asn143Ser; replaces asparagine 143 with serine.
Molecular consequence: missense variant.
Genome position (GRCh38, 1-based): chr3:177,050,610, T>C on the plus strand (A>G on the coding strand, the complement: TBL1XR1 is on the minus strand). VCF-style: chr3-177050610-T-C. GRCh37 (hg19) VCF-style: chr3-176768398-T-C.
Other names: c.428A>G, p.Asn143Ser (NM_001321193.3, NM_001321194.3, NM_001374327.1 and 2 more transcripts); c.167A>G, p.Asn56Ser (NM_001321195.3, NM_001374330.1); short protein forms N143S, N56S.
Identifiers: ClinVar variation 3769771 (VCV003769771.1).